The following is an entry in ClinVar:

ClinVar aggregate classification (germline): Uncertain significance (1 of 4 stars; one submission).

Conditions:
GM1 gangliosidosis. Identifiers: Orphanet 354, MedGen C0085131, MONDO:0018149.
Mucopolysaccharidosis, MPS-IV-B (MPS4B). Also called: MORQUIO SYNDROME B; Mucopolysaccharidosis Type IVB (Morquio B Disease); Mucopolysaccharidosis type 4B; Mucopolysaccharidosis type IVB (Morquio); MPS IVB; Mucopolysaccharidosis type IV B. Identifiers: Orphanet 309310, Orphanet 582, MedGen C0086652, MONDO:0009660, OMIM 253010.

Submission:

Labcorp Genetics (formerly Invitae), Labcorp
Classification: Uncertain significance for Mucopolysaccharidosis, MPS-IV-B; GM1 gangliosidosis. Last evaluated: 2021-01-02. Review status: criteria provided, single submitter. Criteria: Invitae Variant Classification Sherloc (09022015). Collection method: clinical testing. Allele origin: germline.
Comment: This variant has not been reported in the literature in individuals with GLB1-related conditions. This variant is not present in population databases (ExAC no frequency). This sequence change replaces leucine with isoleucine at codon 401 of the GLB1 protein (p.Leu401Ile). The leucine residue is weakly conserved and there is a small physicochemical difference between leucine and isoleucine. Advanced modeling of protein sequence and biophysical properties (such as structural, functional, and spatial information, amino acid conservation, physicochemical variation, residue mobility, and thermodynamic stability) performed at Invitae indicates that this missense variant is not expected to disrupt GLB1 protein function. In summary, the available evidence is currently insufficient to determine the role of this variant in disease. Therefore, it has been classified as a Variant of Uncertain Significance.

NM_000404.4(GLB1):c.1201C>A (p.Leu401Ile)

Gene: GLB1 (galactosidase beta 1; minus strand). Cytogenetic location: 3p22.3.
Variant type: single nucleotide variant.
Coding change: c.1201C>A on transcript NM_000404.4 (MANE Select); coding-DNA position 1201, C replaced by A.
Protein change: p.Leu401Ile; replaces leucine 401 with isoleucine.
Molecular consequence: missense variant.
Genome position (GRCh38, 1-based): chr3:33,021,598, G>T on the plus strand (C>A on the coding strand, the complement: GLB1 is on the minus strand). VCF-style: chr3-33021598-G-T. GRCh37 (hg19) VCF-style: chr3-33063090-G-T.
Other names: c.1111C>A, p.Leu371Ile (NM_001079811.3); c.808C>A, p.Leu270Ile (NM_001135602.3); c.1345C>A, p.Leu449Ile (NM_001317040.2); c.1201C>A, p.Leu401Ile (NM_001393580.1); short protein forms L449I, L371I, L270I, L401I.
Identifiers: ClinVar variation 1500957 (VCV001500957.8), dbSNP rs1402467081, ClinGen allele CA351992999.